The following is an entry in ClinVar:

ClinVar aggregate classification (germline): Uncertain significance (1 of 4 stars; one submission).

gnomAD v4.1: 3 of 1,612,786 alleles (0.00019%); highest among the groups gnomAD compares: Non-Finnish European, 0.00025%; no homozygotes.

Submission:

Ambry Genetics
Classification: Uncertain significance. Last evaluated: 2024-12-09. Review status: criteria provided, single submitter. Criteria: Ambry Variant Classification Scheme 2023. Collection method: clinical testing. Allele origin: germline.
Comment: The p.T1197S variant (also known as c.3590C>G), located in coding exon 15 of the WNK2 gene, results from a C to G substitution at nucleotide position 3590. The threonine at codon 1197 is replaced by serine, an amino acid with similar properties. This amino acid position is conserved. In addition, this alteration is predicted to be tolerated by in silico analysis. Based on the available evidence, the clinical significance of this variant remains unclear.

NM_006648.4(WNK2):c.3590C>G (p.Thr1197Ser)

Gene: WNK2 (WNK lysine deficient protein kinase 2; plus strand). Cytogenetic location: 9q22.31.
Variant type: single nucleotide variant.
Coding change: c.3590C>G on transcript NM_006648.4 (MANE Select); coding-DNA position 3590, C replaced by G.
Protein change: p.Thr1197Ser; replaces threonine 1197 with serine.
Molecular consequence: missense variant.
Genome position (GRCh38, 1-based): chr9:93,263,927, C>G. VCF-style: chr9-93263927-C-G. GRCh37 (hg19) VCF-style: chr9-96026209-C-G.
Other names: c.3590C>G, p.Thr1197Ser (NM_001282394.3); short protein forms T1197S.
Identifiers: ClinVar variation 3470699 (VCV003470699.1).